The following is an entry in ClinVar:

NM_000301.5(PLG):c.725G>A (p.Arg242Gln)

Gene: PLG (plasminogen; plus strand). Cytogenetic location: 6q26.
Variant type: single nucleotide variant.
Coding change: c.725G>A on transcript NM_000301.5 (MANE Select); coding-DNA position 725, G replaced by A.
Protein change: p.Arg242Gln; replaces arginine 242 with glutamine.
Molecular consequence: missense variant.
Genome position (GRCh38, 1-based): chr6:160,716,701, G>A. VCF-style: chr6-160716701-G-A. GRCh37 (hg19) VCF-style: chr6-161137733-G-A.
Other names: short protein forms R242Q.
Identifiers: ClinVar variation 2657119 (VCV002657119.26), dbSNP rs746890698, ClinGen allele CA4087550.
Genomic context (GRCh38, chr6:160,716,701, plus strand): 5'-TCAGATTTCCAAACAAGAACCTGAAGAAGAATTACTGTCGTAACCCCGATAGGGAGCTGC[G>A]GCCTTGGTGTTTCACCACCGACCCCAACAAGCGCTGGGAACTTTGTGACATCCCCCGCTG-3'
Protein context (NP_000292.1, residues 232-252): NYCRNPDREL[Arg242Gln]PWCFTTDPNK

ClinVar aggregate classification (germline): Conflicting classifications of pathogenicity. Review status: criteria provided, conflicting classifications (1 of 4 stars). 2 submissions from 2 submitters: Uncertain significance (1); Likely benign (1). Last evaluated 2025-01-13.

Allele frequency attached by ClinVar (database versions not stated): gnomAD 0.00001; ExAC 0.00002; TOPMed 0.00002.
gnomAD v4.1: 20 of 1,613,658 alleles (0.0012%); highest among the groups gnomAD compares: South Asian, 0.0066%; no homozygotes.

Submissions (2):

Labcorp Genetics (formerly Invitae), Labcorp
Classification: Uncertain significance. Last evaluated: 2025-01-13. Review status: criteria provided, single submitter. Criteria: Invitae Variant Classification Sherloc (09022015). Collection method: clinical testing. Allele origin: germline.
Comment: This sequence change replaces arginine, which is basic and polar, with glutamine, which is neutral and polar, at codon 242 of the PLG protein (p.Arg242Gln). This variant is present in population databases (rs746890698, gnomAD 0.006%). This variant has not been reported in the literature in individuals affected with PLG-related conditions. ClinVar contains an entry for this variant (Variation ID: 2657119). Invitae Evidence Modeling of protein sequence and biophysical properties (such as structural, functional, and spatial information, amino acid conservation, physicochemical variation, residue mobility, and thermodynamic stability) indicates that this missense variant is not expected to disrupt PLG protein function with a negative predictive value of 80%. In summary, the available evidence is currently insufficient to determine the role of this variant in disease. Therefore, it has been classified as a Variant of Uncertain Significance.

CeGaT Center for Human Genetics Tuebingen
Classification: Likely benign. Last evaluated: 2022-06-01. Review status: criteria provided, single submitter. Criteria: CeGaT Center For Human Genetics Tuebingen Variant Classification Criteria Version 2. Collection method: clinical testing. Allele origin: germline. Affected: yes. Observed: 1 variant allele.
Comment: PLG: BP4, BS2